The following is an entry in ClinVar:

ClinVar aggregate classification (germline): Likely pathogenic (1 of 4 stars; one submission).

Conditions:
Developmental delay, impaired speech, and behavioral abnormalities, with or without seizures (DEDISB). Identifiers: MedGen C5575272, MONDO:0859263, OMIM 619964.

Submission:

Institute of Human Genetics, University of Leipzig Medical Center
Classification: Likely pathogenic for Developmental delay, impaired speech, and behavioral abnormalities, with or without seizures. Last evaluated: 2022-08-08. Review status: criteria provided, single submitter. Criteria: ACMG Guidelines, 2015. Collection method: clinical testing. Allele origin: maternal. Inheritance: Autosomal dominant inheritance. Affected: yes.
Comment: Criteria applied: PVS1,PM2_SUP

NM_006421.5(ARFGEF1):c.3232G>T (p.Gly1078Ter)

Gene: ARFGEF1 (ARF guanine nucleotide exchange factor 1; minus strand). Cytogenetic location: 8q13.2.
Variant type: single nucleotide variant.
Coding change: c.3232G>T on transcript NM_006421.5 (MANE Select); coding-DNA position 3232, G replaced by T.
Protein change: p.Gly1078Ter; replaces glycine 1078 with a stop codon.
Molecular consequence: nonsense.
Genome position (GRCh38, 1-based): chr8:67,238,400, C>A on the plus strand (G>T on the coding strand, the complement: ARFGEF1 is on the minus strand). VCF-style: chr8-67238400-C-A. GRCh37 (hg19) VCF-style: chr8-68150635-C-A.
Other names: short protein forms G1078*.
Identifiers: ClinVar variation 1707530 (VCV001707530.2), dbSNP rs2491448044, ClinGen allele CA371206411.
Genomic context (GRCh38, chr8:67,238,400, plus strand): 5'-CACCTAGCCCTAAACCCACAAATTCATCAGGAGCCTGATCTTTTGTTCCAGTAAGAGATC[C>A]TTCTCTGCCTCGCACTGTTCCAGAAATGTATCGAGGTTTCACTCCAGTTCCTATAAGCTG-3'